The following is an entry in ClinVar:

NM_001482.3(GATM):c.69+1G>A

Genes: GATM (glycine amidinotransferase; minus strand), LOC130056991 (ATAC-STARR-seq lymphoblastoid silent region 6406; plus strand). Cytogenetic location: 15q21.1.
Variant type: single nucleotide variant.
Coding change: c.69+1G>A on transcript NM_001482.3 (MANE Select); the canonical splice donor site of the intron after coding-DNA position 69, G replaced by A.
Molecular consequence: splice donor variant. On other transcripts: intron variant (1).
Genome position (GRCh38, 1-based): chr15:45,378,384, C>T on the plus strand (G>A on the coding strand, the complement: GATM is on the minus strand). VCF-style: chr15-45378384-C-T. GRCh37 (hg19) VCF-style: chr15-45670582-C-T.
Other names: c.-318-1565G>A (NM_001321015.2).
Identifiers: ClinVar variation 3000694 (VCV003000694.3), dbSNP rs2542009773, ClinGen allele CA392266544.
Genomic context (GRCh38, chr15:45,378,384, plus strand): 5'-ACGCCGCCCGCAGGATCGAGTGAGTCACGCGGCCGCCAGACGAGGCCGGTGGCGCACGCA[C>T]CCGAGATCCGATGTAGTGCACCGCCTCGGCGCCGCGGCTCCCGCCGCGCAGACACCGCAC-3'

ClinVar aggregate classification (germline): Likely pathogenic (1 of 4 stars; one submission).

Conditions:
Arginine:glycine amidinotransferase deficiency (CCDS3). Also called: Creatine deficiency syndrome due to AGAT deficiency; Cerebral creatine deficiency syndrome 3; AGAT deficiency; GATM deficiency; L-Arginine:Glycine Amidinotransferase (AGAT) Deficiency; L-Arginine:Glycine Amidinotransferase Deficiency. Identifiers: Orphanet 35704, MedGen C2675179, MONDO:0012996, OMIM 612718.

Allele frequency attached by ClinVar (database versions not stated): gnomAD exomes below 0.00001.
gnomAD v4.1: 1 of 1,519,702 alleles (0.000066%); highest among the groups gnomAD compares: Non-Finnish European, 0.000088%; no homozygotes.

Submission:

Labcorp Genetics (formerly Invitae), Labcorp
Classification: Likely pathogenic for Arginine:glycine amidinotransferase deficiency. Last evaluated: 2023-09-28. Review status: criteria provided, single submitter. Criteria: Invitae Variant Classification Sherloc (09022015). Collection method: clinical testing. Allele origin: germline.
Comment: Algorithms developed to predict the effect of sequence changes on RNA splicing suggest that this variant may disrupt the consensus splice site. In summary, the currently available evidence indicates that the variant is pathogenic, but additional data are needed to prove that conclusively. Therefore, this variant has been classified as Likely Pathogenic. This sequence change affects a donor splice site in intron 1 of the GATM gene. It is expected to disrupt RNA splicing. Variants that disrupt the donor or acceptor splice site typically lead to a loss of protein function (PMID: 16199547), and loss-of-function variants in GATM are known to be pathogenic (PMID: 11555793). This variant is not present in population databases (gnomAD no frequency). This variant has not been reported in the literature in individuals affected with GATM-related conditions.

Literature cited by the submitters: PubMed 16199547; PubMed 11555793.